The following is an entry in ClinVar:

ClinVar aggregate classification (germline): Uncertain significance (1 of 4 stars; one submission).

Conditions:
Epileptic encephalopathy. Identifiers: MedGen C0543888, HP:0200134.

Allele frequency attached by ClinVar (database versions not stated): gnomAD 0.00001; ExAC 0.00002; TOPMed 0.00002; gnomAD exomes 0.00003.
gnomAD v4.1: 9 of 1,590,890 alleles (0.00057%); highest among the groups gnomAD compares: Admixed American, 0.016%; no homozygotes.

Submission:

Labcorp Genetics (formerly Invitae), Labcorp
Classification: Uncertain significance for Epileptic encephalopathy. Last evaluated: 2024-04-25. Review status: criteria provided, single submitter. Criteria: Invitae Variant Classification Sherloc (09022015). Collection method: clinical testing. Allele origin: germline.
Comment: This sequence change replaces glutamic acid, which is acidic and polar, with glutamine, which is neutral and polar, at codon 4785 of the RYR3 protein (p.Glu4785Gln). This variant is present in population databases (rs747821141, gnomAD 0.02%). This variant has not been reported in the literature in individuals affected with RYR3-related conditions. ClinVar contains an entry for this variant (Variation ID: 1013972). Advanced modeling of protein sequence and biophysical properties (such as structural, functional, and spatial information, amino acid conservation, physicochemical variation, residue mobility, and thermodynamic stability) performed at Invitae indicates that this missense variant is expected to disrupt RYR3 protein function with a positive predictive value of 80%. In summary, the available evidence is currently insufficient to determine the role of this variant in disease. Therefore, it has been classified as a Variant of Uncertain Significance.

NM_001036.6(RYR3):c.14353G>C (p.Glu4785Gln)

Genes: AVEN (apoptosis and caspase activation inhibitor; minus strand), RYR3 (ryanodine receptor 3; plus strand). Cytogenetic location: 15q14.
Variant type: single nucleotide variant.
Coding change: c.14353G>C on transcript NM_001036.6 (MANE Select); coding-DNA position 14353, G replaced by C.
Protein change: p.Glu4785Gln; replaces glutamic acid 4785 with glutamine.
Molecular consequence: missense variant.
Genome position (GRCh38, 1-based): chr15:33,860,648, G>C. VCF-style: chr15-33860648-G-C. GRCh37 (hg19) VCF-style: chr15-34152849-G-C.
Other names: c.14338G>C, p.Glu4780Gln (NM_001243996.4); short protein forms E4780Q, E4785Q.
Identifiers: ClinVar variation 1013972 (VCV001013972.8), dbSNP rs747821141, ClinGen allele CA7461992.